The following is an entry in ClinVar:

NM_004336.5(BUB1):c.1186T>C (p.Ser396Pro)

Gene: BUB1 (BUB1 mitotic checkpoint serine/threonine kinase; minus strand). Cytogenetic location: 2q13.
Variant type: single nucleotide variant.
Coding change: c.1186T>C on transcript NM_004336.5 (MANE Select); coding-DNA position 1186, T replaced by C.
Protein change: p.Ser396Pro; replaces serine 396 with proline.
Molecular consequence: missense variant.
Genome position (GRCh38, 1-based): chr2:110,661,613, A>G on the plus strand (T>C on the coding strand, the complement: BUB1 is on the minus strand). VCF-style: chr2-110661613-A-G. GRCh37 (hg19) VCF-style: chr2-111419190-A-G.
Other names: c.1126T>C, p.Ser376Pro (NM_001278616.2); c.1186T>C, p.Ser396Pro (NM_001278617.2); short protein forms S376P, S396P.
Identifiers: ClinVar variation 1743629 (VCV001743629.2), dbSNP rs1690098608, ClinGen allele CA348214236.

ClinVar aggregate classification (germline): Uncertain significance (1 of 4 stars; one submission).

Submission:

Ambry Genetics
Classification: Uncertain significance. Last evaluated: 2021-07-31. Review status: criteria provided, single submitter. Criteria: Ambry Variant Classification Scheme 2023. Collection method: clinical testing. Allele origin: germline.
Comment: The p.S396P variant (also known as c.1186T>C), located in coding exon 10 of the BUB1 gene, results from a T to C substitution at nucleotide position 1186. The serine at codon 396 is replaced by proline, an amino acid with similar properties. This amino acid position is conserved. In addition, this alteration is predicted to be tolerated by in silico analysis. Since supporting evidence is limited at this time, the clinical significance of this alteration remains unclear.